The following is an entry in ClinVar:

NM_001130144.3(LTBP3):c.1278G>T (p.Gln426His)

Gene: LTBP3 (latent transforming growth factor beta binding protein 3; minus strand). Cytogenetic location: 11q13.1.
Variant type: single nucleotide variant.
Coding change: c.1278G>T on transcript NM_001130144.3 (MANE Select); coding-DNA position 1278, G replaced by T.
Protein change: p.Gln426His; replaces glutamine 426 with histidine.
Molecular consequence: missense variant.
Genome position (GRCh38, 1-based): chr11:65,552,315, C>A on the plus strand (G>T on the coding strand, the complement: LTBP3 is on the minus strand). VCF-style: chr11-65552315-C-A. GRCh37 (hg19) VCF-style: chr11-65319786-C-A.
Other names: c.927G>T, p.Gln309His (NM_001164266.1); c.1278G>T, p.Gln426His (NM_021070.4); short protein forms Q309H, Q426H.
Identifiers: ClinVar variation 3652696 (VCV003652696.2).

ClinVar aggregate classification (germline): Uncertain significance (1 of 4 stars; one submission).

Conditions:
Brachyolmia-amelogenesis imperfecta syndrome. Also called: PLATYSPONDYLY WITH AMELOGENESIS IMPERFECTA; Tooth agenesis, selective, 6; Dental anomalies and short stature. Identifiers: Orphanet 2899, MedGen C1832594, MONDO:0011018, OMIM 601216. Disease mechanism: loss of function.

gnomAD v4.1: 1 of 1,614,122 alleles (0.000062%); highest among the groups gnomAD compares: Non-Finnish European, 0.000085%; no homozygotes.

Submission:

Labcorp Genetics (formerly Invitae), Labcorp
Classification: Uncertain significance for Brachyolmia-amelogenesis imperfecta syndrome. Last evaluated: 2024-05-08. Review status: criteria provided, single submitter. Criteria: Invitae Variant Classification Sherloc (09022015). Collection method: clinical testing. Allele origin: germline.
Comment: This sequence change replaces glutamine, which is neutral and polar, with histidine, which is basic and polar, at codon 426 of the LTBP3 protein (p.Gln426His). This variant is not present in population databases (gnomAD no frequency). This variant has not been reported in the literature in individuals affected with LTBP3-related conditions. An algorithm developed to predict the effect of missense changes on protein structure and function (PolyPhen-2) suggests that this variant is likely to be disruptive. In summary, the available evidence is currently insufficient to determine the role of this variant in disease. Therefore, it has been classified as a Variant of Uncertain Significance.